The following is an entry in ClinVar:

NM_016343.4(CENPF):c.1213C>T (p.Arg405Cys)

Gene: CENPF (centromere protein F; plus strand). Cytogenetic location: 1q41.
Variant type: single nucleotide variant.
Coding change: c.1213C>T on transcript NM_016343.4 (MANE Select); coding-DNA position 1213, C replaced by T.
Protein change: p.Arg405Cys; replaces arginine 405 with cysteine.
Molecular consequence: missense variant.
Genome position (GRCh38, 1-based): chr1:214,630,552, C>T. VCF-style: chr1-214630552-C-T. GRCh37 (hg19) VCF-style: chr1-214803895-C-T.
Other names: short protein forms R405C.
Identifiers: ClinVar variation 2634317 (VCV002634317.3), dbSNP rs773796644, ClinGen allele CA1389975.

ClinVar aggregate classification (germline): Uncertain significance. Review status: criteria provided, multiple submitters, no conflicts (2 of 4 stars). 3 submissions from 3 submitters: Uncertain significance (3). Last evaluated 2025-08-30.

Conditions:
Inborn genetic diseases. Identifiers: MedGen C0950123, MeSH D030342.
CENPF-related disorder. Also called: CENPF-related condition.
Stromme syndrome (STROMS). Also called: APPLE PEEL SYNDROME WITH MICROCEPHALY AND OCULAR ANOMALIES; Ciliary dyskinesia, primary, 31; Strømme Syndrome. Identifiers: Orphanet 444069, Orphanet 506307, MedGen C1855705, MONDO:0009477, OMIM 243605.

Allele frequency attached by ClinVar (database versions not stated): TOPMed 0.00002; gnomAD 0.00001; ExAC 0.00002; gnomAD exomes 0.00002.

Submissions (3):

Ambry Genetics
Classification: Uncertain significance for Inborn genetic diseases. Last evaluated: 2025-08-30. Review status: criteria provided, single submitter. Criteria: Ambry Variant Classification Scheme 2023. Collection method: clinical testing. Allele origin: germline.

Clinical Genomics Laboratory, Stanford Medicine
Classification: Uncertain significance for Stromme syndrome. Last evaluated: 2023-09-28. Review status: criteria provided, single submitter. Criteria: ACMG Guidelines, 2015. Collection method: clinical testing. Allele origin: germline. Observed: 1 variant allele, 1 heterozygote.

PreventionGenetics, part of Exact Sciences
Classification: Uncertain significance for CENPF-related condition. Last evaluated: 2023-01-24. Review status: criteria provided, single submitter. Criteria: ACMG Guidelines, 2015. Collection method: clinical testing. Allele origin: germline.
Comment: The CENPF c.1213C>T variant is predicted to result in the amino acid substitution p.Arg405Cys. To our knowledge, this variant has not been reported in the literature. This variant is reported in 0.011% of alleles in individuals of Latino descent in gnomAD. At this time, the clinical significance of this variant is uncertain due to the absence of conclusive functional and genetic evidence.